The following is an entry in ClinVar:

ClinVar aggregate classification (germline): Uncertain significance (1 of 4 stars; one submission).

Conditions:
Familial hypocalciuric hypercalcemia (FHH). Also called: Familial benign hypercalcemia. Identifiers: Orphanet 405, MedGen C1809471, MONDO:0018458.
Autosomal dominant hypocalcemia 1 (HYPOC1). Also called: HYPOCALCEMIA, FAMILIAL. Identifiers: MedGen C3715128, MONDO:0011013, OMIM 601198.

Submission:

Labcorp Genetics (formerly Invitae), Labcorp
Classification: Uncertain significance for Familial hypocalciuric hypercalcemia; Autosomal dominant hypocalcemia 1. Last evaluated: 2023-01-14. Review status: criteria provided, single submitter. Criteria: Invitae Variant Classification Sherloc (09022015). Collection method: clinical testing. Allele origin: germline.
Comment: In summary, the available evidence is currently insufficient to determine the role of this variant in disease. Therefore, it has been classified as a Variant of Uncertain Significance. Algorithms developed to predict the effect of missense changes on protein structure and function (SIFT, PolyPhen-2, Align-GVGD) all suggest that this variant is likely to be disruptive. This variant has not been reported in the literature in individuals affected with CASR-related conditions. This variant is not present in population databases (gnomAD no frequency). This sequence change replaces threonine, which is neutral and polar, with alanine, which is neutral and non-polar, at codon 640 of the CASR protein (p.Thr640Ala).

NM_000388.4(CASR):c.1918A>G (p.Thr640Ala)

Gene: CASR (calcium sensing receptor; plus strand). Cytogenetic location: 3q21.1.
Variant type: single nucleotide variant.
Coding change: c.1918A>G on transcript NM_000388.4 (MANE Select); coding-DNA position 1918, A replaced by G.
Protein change: p.Thr640Ala; replaces threonine 640 with alanine.
Molecular consequence: missense variant.
Genome position (GRCh38, 1-based): chr3:122,283,872, A>G. VCF-style: chr3-122283872-A-G. GRCh37 (hg19) VCF-style: chr3-122002719-A-G.
Other names: c.1948A>G, p.Thr650Ala (NM_001178065.2); short protein forms T650A, T640A.
Identifiers: ClinVar variation 2937480 (VCV002937480.3), dbSNP rs2473276929, ClinGen allele CA354157979.